The following is an entry in ClinVar:

ClinVar aggregate classification (germline): Likely benign (0 of 4 stars; one submission).

Conditions:
MAP3K3-related disorder. Also called: MAP3K3-related condition.

gnomAD v4.1: 3 of 1,614,020 alleles (0.00019%); highest among the groups gnomAD compares: African/African-American, 0.0027%; no homozygotes.

Submission:

PreventionGenetics, part of Exact Sciences
Classification: Likely benign for MAP3K3-related condition. Last evaluated: 2024-01-23. Review status: no assertion criteria provided. Collection method: clinical testing. Allele origin: germline.
Comment: This variant is classified as likely benign based on ACMG/AMP sequence variant interpretation guidelines (Richards et al. 2015 PMID: 25741868, with internal and published modifications).

NM_002401.5(MAP3K3):c.714A>C (p.Pro238=)

Gene: MAP3K3 (mitogen-activated protein kinase kinase kinase 3; plus strand). Cytogenetic location: 17q23.3.
Variant type: single nucleotide variant.
Coding change: c.714A>C on transcript NM_002401.5 (MANE Select); coding-DNA position 714, A replaced by C.
Protein change: p.Pro238=; no amino-acid change (proline 238 retained).
Molecular consequence: synonymous variant.
Genome position (GRCh38, 1-based): chr17:63,688,530, A>C. VCF-style: chr17-63688530-A-C. GRCh37 (hg19) VCF-style: chr17-61765890-A-C.
Other names: c.702A>C, p.Pro234= (NM_001330431.2); c.795A>C, p.Pro265= (NM_001363768.2); c.807A>C, p.Pro269= (NM_203351.3).
Identifiers: ClinVar variation 3031148 (VCV003031148.2), dbSNP rs775721157, ClinGen allele CA501196862.